The following is an entry in ClinVar:

NM_001370259.2(MEN1):c.1588G>C (p.Glu530Gln)

Gene: MEN1 (menin 1; minus strand). Cytogenetic location: 11q13.1.
Variant type: single nucleotide variant.
Coding change: c.1588G>C on transcript NM_001370259.2 (MANE Select); coding-DNA position 1588, G replaced by C.
Protein change: p.Glu530Gln; replaces glutamic acid 530 with glutamine.
Molecular consequence: missense variant.
Genome position (GRCh38, 1-based): chr11:64,804,579, C>G on the plus strand (G>C on the coding strand, the complement: MEN1 is on the minus strand). VCF-style: chr11-64804579-C-G. GRCh37 (hg19) VCF-style: chr11-64572051-C-G.
Other names: c.1603G>C, p.Glu535Gln (NM_000244.4, NM_130800.3, NM_130801.3 and 3 more transcripts); c.1714G>C, p.Glu572Gln (NM_001370251.2); c.1588G>C, p.Glu530Gln (NM_001370260.2, NM_001370261.2, NM_130799.3); c.1483G>C, p.Glu495Gln (NM_001370262.2, NM_001370263.2); short protein forms E495Q, E530Q, E535Q, E572Q.
Identifiers: ClinVar variation 1055288 (VCV001055288.9), dbSNP rs762145604, ClinGen allele CA381178300.

ClinVar aggregate classification (germline): Uncertain significance (1 of 4 stars; one submission).

Conditions:
Multiple endocrine neoplasia, type 1 (MEN1). Also called: MEN I; WERMER SYNDROME; Endocrine adenomatosis multiple; MEN 1; MEA I. Identifiers: Orphanet 652, MedGen C0025267, MeSH D018761, MONDO:0007540, OMIM 131100.

Submission:

Labcorp Genetics (formerly Invitae), Labcorp
Classification: Uncertain significance for Multiple endocrine neoplasia, type 1. Last evaluated: 2020-07-23. Review status: criteria provided, single submitter. Criteria: Invitae Variant Classification Sherloc (09022015). Collection method: clinical testing. Allele origin: germline.
Comment: In summary, the available evidence is currently insufficient to determine the role of this variant in disease. Therefore, it has been classified as a Variant of Uncertain Significance. Advanced modeling of protein sequence and biophysical properties (such as structural, functional, and spatial information, amino acid conservation, physicochemical variation, residue mobility, and thermodynamic stability) performed at Invitae indicates that this missense variant is not expected to disrupt MEN1 protein function. This variant has not been reported in the literature in individuals with MEN1-related conditions. This variant is not present in population databases (ExAC no frequency). This sequence change replaces glutamic acid with glutamine at codon 530 of the MEN1 protein (p.Glu530Gln). The glutamic acid residue is moderately conserved and there is a small physicochemical difference between glutamic acid and glutamine.